The following is an entry in ClinVar:

NM_152443.3(RDH12):c.590G>T (p.Gly197Val)

Genes: RDH12 (retinol dehydrogenase 12; plus strand), GPHN (gephyrin; plus strand). Cytogenetic location: 14q24.1.
Variant type: single nucleotide variant.
Coding change: c.590G>T on transcript NM_152443.3 (MANE Select); coding-DNA position 590, G replaced by T.
Protein change: p.Gly197Val; replaces glycine 197 with valine.
Molecular consequence: missense variant.
Genome position (GRCh38, 1-based): chr14:67,727,122, G>T. VCF-style: chr14-67727122-G-T. GRCh37 (hg19) VCF-style: chr14-68193839-G-T.
Other names: short protein forms G197V.
Identifiers: ClinVar variation 989722 (VCV000989722.7), dbSNP rs867284235, ClinGen allele CA262809287.
Genomic context (GRCh38, chr14:67,727,122, plus strand): 5'-CTCACCACATTGGCAAGATTCCCTTCCACGACCTCCAGAGCGAGAAGCGCTACAGCAGGG[G>T]TTTTGCCTATTGCCACAGCAAGCTGGCCAATGTGCTTTTTACTCGTGAGCTGGCCAAGAG-3'
Protein context (NP_689656.2, residues 187-207): DLQSEKRYSR[Gly197Val]FAYCHSKLAN

ClinVar aggregate classification (germline): Uncertain significance. Review status: criteria provided, single submitter (1 of 4 stars). 2 submissions from 2 submitters: Uncertain significance (1). 1 of the submissions does not count toward it. Last evaluated 2022-03-09.

Conditions:
Leber congenital amaurosis (LCA). Also called: Leber's amaurosis. Identifiers: Orphanet 65, MedGen C0339527, MeSH D057130, MONDO:0018998.
Leber congenital amaurosis 13 (LCA13). Identifiers: MedGen C2675186, MONDO:0012990, OMIM 612712.

Allele frequency attached by ClinVar (database versions not stated): gnomAD exomes 0.00001; gnomAD 0.00004 and 0.00005; TOPMed 0.00007.
gnomAD v4.1: 9 of 1,614,090 alleles (0.00056%); highest among the groups gnomAD compares: African/African-American, 0.012%; no homozygotes.

Submissions (2):

Labcorp Genetics (formerly Invitae), Labcorp
Classification: Uncertain significance for Leber congenital amaurosis 13. Last evaluated: 2022-03-09. Review status: criteria provided, single submitter. Criteria: Invitae Variant Classification Sherloc (09022015). Collection method: clinical testing. Allele origin: germline.
Comment: This sequence change replaces glycine, which is neutral and non-polar, with valine, which is neutral and non-polar, at codon 197 of the RDH12 protein (p.Gly197Val). This variant is present in population databases (no rsID available, gnomAD 0.01%). This variant has not been reported in the literature in individuals affected with RDH12-related conditions. ClinVar contains an entry for this variant (Variation ID: 989722). Algorithms developed to predict the effect of missense changes on protein structure and function (SIFT, PolyPhen-2, Align-GVGD) all suggest that this variant is likely to be tolerated. In summary, the available evidence is currently insufficient to determine the role of this variant in disease. Therefore, it has been classified as a Variant of Uncertain Significance.

Natera, Inc.
Classification: Uncertain significance for Leber congenital amaurosis. Last evaluated: 2020-04-17. Review status: no assertion criteria provided. Collection method: clinical testing. Allele origin: germline. Not counted in ClinVar's aggregate classification.